The following is an entry in ClinVar:

ClinVar aggregate classification (germline): Pathogenic/Likely pathogenic. Review status: criteria provided, multiple submitters, no conflicts (2 of 4 stars). 2 submissions from 2 submitters: Pathogenic (1); Likely pathogenic (1). Last evaluated 2024-08-01.

Conditions:
Charcot-Marie-Tooth disease type 4. Also called: Charcot-Marie-Tooth disease, type IV; Charcot-Marie-Tooth, Type 4. Identifiers: Orphanet 64749, MedGen C4082197, MONDO:0018995.

Submissions (2):

Labcorp Genetics (formerly Invitae), Labcorp
Classification: Pathogenic for Charcot-Marie-Tooth disease type 4. Last evaluated: 2024-08-01. Review status: criteria provided, single submitter. Criteria: Invitae Variant Classification Sherloc (09022015). Collection method: clinical testing. Allele origin: germline.
Comment: This sequence change creates a premature translational stop signal (p.Lys926*) in the PRX gene. While this is not anticipated to result in nonsense mediated decay, it is expected to disrupt the last 536 amino acid(s) of the PRX protein. This variant is not present in population databases (gnomAD no frequency). This variant has not been reported in the literature in individuals affected with PRX-related conditions. ClinVar contains an entry for this variant (Variation ID: 817010). This variant disrupts a region of the PRX protein in which other variant(s) (p.Gln1169*) have been determined to be pathogenic (Invitae). This suggests that this is a clinically significant region of the protein, and that variants that disrupt it are likely to be disease-causing. For these reasons, this variant has been classified as Pathogenic.

GeneDx
Classification: Likely pathogenic. Last evaluated: 2018-11-28. Review status: criteria provided, single submitter. Criteria: GeneDx Variant Classification (06012015). Collection method: clinical testing. Allele origin: germline. Affected: yes.
Comment: A variant that is likely pathogenic has been identified in the PRX gene. The c.2775_2776insT variant has not been published as a pathogenic variant, nor has it been reported as a benign variant to our knowledge. The c.2775_2776insT variant in the PRX gene causes a frameshift starting with codon Lysine 926, and changes this amino acid to a Stop codon residue, denoted p.Lys926Ter. This nonsense variant in the C-terminus is predicted to result in protein truncation, as the last 536 amino acids are lost, and other loss-of-function variants have been reported downstream in the Human Gene Mutation Database (Stenson et al., 2014). The c.2775_2776insT variant is not observed in large population cohorts (Lek et al., 2016). Therefore, this variant is likely pathogenic; however, the possibility that it is benign cannot be excluded.

NM_181882.3(PRX):c.2775_2776insT (p.Lys926Ter)

Gene: PRX (periaxin; minus strand). Cytogenetic location: 19q13.2.
Variant type: Insertion.
Coding change: c.2775_2776insT on transcript NM_181882.3 (MANE Select); coding-DNA positions 2775 to 2776, T inserted.
Protein change: p.Lys926Ter; replaces lysine 926 with a stop codon.
Molecular consequence: nonsense. On other transcripts: 3 prime UTR variant (1).
Genome position: GRCh38 VCF-style: chr19-40395576-T-TA. GRCh37 (hg19) VCF-style: chr19-40901483-T-TA.
Other names: c.*2980_*2981insT (NM_020956.2); short protein forms K926*.
Identifiers: ClinVar variation 817010 (VCV000817010.3), dbSNP rs1599652316, ClinGen allele CA915953016.